The following is an entry in ClinVar:

ClinVar aggregate classification (germline): Likely benign (1 of 4 stars; one submission).

gnomAD v4.1: 13,187 of 1,612,798 alleles (0.82%); highest among the groups gnomAD compares: Non-Finnish European, 0.95%; 65 homozygotes.

Submission:

CeGaT Center for Human Genetics Tuebingen
Classification: Likely benign. Last evaluated: 2026-06-01. Review status: criteria provided, single submitter. Criteria: CeGaT Center For Human Genetics Tuebingen Variant Classification Criteria Version 2. Collection method: clinical testing. Allele origin: germline. Affected: yes. Observed: 2 variant alleles.
Comment: HIPK4: BP4, BS2

NM_144685.5(HIPK4):c.911C>A (p.Thr304Asn)

Gene: HIPK4 (homeodomain interacting protein kinase 4; minus strand). Cytogenetic location: 19q13.2.
Variant type: single nucleotide variant.
Coding change: c.911C>A on transcript NM_144685.5 (MANE Select); coding-DNA position 911, C replaced by A.
Protein change: p.Thr304Asn; replaces threonine 304 with asparagine.
Molecular consequence: missense variant.
Genome position (GRCh38, 1-based): chr19:40,381,080, G>T on the plus strand (C>A on the coding strand, the complement: HIPK4 is on the minus strand). VCF-style: chr19-40381080-G-T. GRCh37 (hg19) VCF-style: chr19-40886987-G-T.
Other names: short protein forms T304N.
Identifiers: ClinVar variation 4083527 (VCV004083527.8).
Genomic context (GRCh38, chr19:40,381,080, plus strand): 5'-ATCAGCTCCACCATGCTCTTGAGGTCGGCGTGCTCCGCCAGCGCCTCCCGGTCAGGGAAG[G>T]TTAGCCGACTGGCCACACTGCCACCATTCACTGTCTCAATCTGGTCCAACGACTTGAGCA-3'
Protein context (NP_653286.2, residues 294-314): VNGGSVASRL[Thr304Asn]FPDREALAEH